The following is an entry in ClinVar:

ClinVar aggregate classification (germline): Uncertain significance (1 of 4 stars; one submission).

Allele frequency attached by ClinVar (database versions not stated): TOPMed below 0.00001; gnomAD 0.00001; gnomAD exomes 0.00001; ExAC 0.00002.
gnomAD v4.1: 6 of 1,613,970 alleles (0.00037%); highest among the groups gnomAD compares: Admixed American, 0.0083%; no homozygotes.

Submission:

Labcorp Genetics (formerly Invitae), Labcorp
Classification: Uncertain significance. Last evaluated: 2023-03-30. Review status: criteria provided, single submitter. Criteria: Invitae Variant Classification Sherloc (09022015). Collection method: clinical testing. Allele origin: germline.
Comment: This sequence change falls in intron 4 of the DEAF1 gene. It does not directly change the encoded amino acid sequence of the DEAF1 protein. It affects a nucleotide within the consensus splice site. In summary, the available evidence is currently insufficient to determine the role of this variant in disease. Therefore, it has been classified as a Variant of Uncertain Significance. Variants that disrupt the consensus splice site are a relatively common cause of aberrant splicing (PMID: 17576681, 9536098). Algorithms developed to predict the effect of sequence changes on RNA splicing suggest that this variant is not likely to affect RNA splicing. ClinVar contains an entry for this variant (Variation ID: 2197516). This variant has not been reported in the literature in individuals affected with DEAF1-related conditions. This variant is present in population databases (rs764254514, gnomAD 0.01%).

Literature cited by the submitters: PubMed 17576681; PubMed 9536098.

NM_021008.4(DEAF1):c.664+4A>C

Gene: DEAF1 (DEAF1 transcription factor; minus strand). Cytogenetic location: 11p15.5.
Variant type: single nucleotide variant.
Coding change: c.664+4A>C on transcript NM_021008.4 (MANE Select); 4 bases into the intron after coding-DNA position 664, A replaced by C.
Molecular consequence: intron variant.
Genome position (GRCh38, 1-based): chr11:687,907, T>G on the plus strand (A>C on the coding strand, the complement: DEAF1 is on the minus strand). VCF-style: chr11-687907-T-G. GRCh37 (hg19) VCF-style: chr11-687907-T-G.
Other names: c.-63+4A>C (NM_001367390.1, NM_001440885.1, NM_001440887.1 and 1 more transcripts); c.664+4A>C (NM_001293634.2, NM_001440884.1, NM_001440883.1).
Identifiers: ClinVar variation 2197516 (VCV002197516.4), dbSNP rs764254514, ClinGen allele CA5786471.